The following is an entry in ClinVar:

NM_001848.3(COL6A1):c.1387C>A (p.Pro463Thr)

Gene: COL6A1 (collagen type VI alpha 1 chain; plus strand). Cytogenetic location: 21q22.3.
Variant type: single nucleotide variant.
Coding change: c.1387C>A on transcript NM_001848.3 (MANE Select); coding-DNA position 1387, C replaced by A.
Protein change: p.Pro463Thr; replaces proline 463 with threonine.
Molecular consequence: missense variant.
Genome position (GRCh38, 1-based): chr21:45,994,218, C>A. VCF-style: chr21-45994218-C-A. GRCh37 (hg19) VCF-style: chr21-47414132-C-A.
Other names: short protein forms P463T.
Identifiers: ClinVar variation 3771795 (VCV003771795.13).

ClinVar aggregate classification (germline): Uncertain significance (1 of 4 stars; one submission).

Submission:

CeGaT Center for Human Genetics Tuebingen
Classification: Uncertain significance. Last evaluated: 2024-06-01. Review status: criteria provided, single submitter. Criteria: CeGaT Center For Human Genetics Tuebingen Variant Classification Criteria Version 2. Collection method: clinical testing. Allele origin: germline. Affected: yes. Observed: 1 variant allele.
Comment: COL6A1: PM2